The following is an entry in ClinVar:

NM_000260.4(MYO7A):c.4770dup (p.Arg1591fs)

Gene: MYO7A (myosin VIIA; plus strand). Cytogenetic location: 11q13.5.
Variant type: Duplication.
Coding change: c.4770dup on transcript NM_000260.4 (MANE Select); coding-DNA position 4770, one base duplicated (T; older notation c.4770dupT).
Protein change: p.Arg1591fs; shifts the reading frame from arginine 1591.
Molecular consequence: frameshift variant.
Genome position (GRCh38, 1-based): chr11:77,199,736, T duplicated; the last of 2 consecutive T bases (chr11:77,199,735-77,199,736); duplicating either gives the same sequence. VCF-style (leftmost placement, unchanged base first): chr11-77199734-A-AT. GRCh37 (hg19) VCF-style: chr11-76910779-A-AT.
Other names: c.4656dup, p.Arg1553fs (NM_001127180.2); c.4623dup, p.Arg1542fs (NM_001369365.1); short protein forms R1542fs, R1553fs, R1591fs.
Identifiers: ClinVar variation 1073624 (VCV001073624.9), dbSNP rs2135681132, ClinGen allele CA2499221337.
Genomic context (GRCh38, chr11:77,199,734, plus strand): 5'-TTCACGCTGGCCACCATCAAGGGGGACGAATACACCTTCACCTCCAGCAATGCTGAGGAC[A>AT]TTCGTGACCTGGTGGTCACCTTCCTAGAGGGGCTCCGGAAGAGATCTAAGTATGTTGTGG-3'

ClinVar aggregate classification (germline): Pathogenic (1 of 4 stars; one submission).

Submission:

Labcorp Genetics (formerly Invitae), Labcorp
Classification: Pathogenic. Last evaluated: 2022-06-13. Review status: criteria provided, single submitter. Criteria: Invitae Variant Classification Sherloc (09022015). Collection method: clinical testing. Allele origin: germline.
Comment: For these reasons, this variant has been classified as Pathogenic. ClinVar contains an entry for this variant (Variation ID: 1073624). This variant is also known as 4770_4771insT. This premature translational stop signal has been observed in individual(s) with clinical features of Usher syndrome (PMID: 16963483). This variant is not present in population databases (gnomAD no frequency). This sequence change creates a premature translational stop signal (p.Arg1591Serfs*2) in the MYO7A gene. It is expected to result in an absent or disrupted protein product. Loss-of-function variants in MYO7A are known to be pathogenic (PMID: 8900236, 25404053).

Literature cited by the submitters: PubMed 16963483; PubMed 8900236; PubMed 25404053.